The following is an entry in ClinVar:

ClinVar aggregate classification (germline): Likely benign (1 of 4 stars; one submission).

Allele frequency attached by ClinVar (database versions not stated): ExAC 0.00004; gnomAD 0.00006; TOPMed 0.00008.
gnomAD v4.1: 138 of 1,209,533 alleles (0.011%); highest among the groups gnomAD compares: Non-Finnish European, 0.015%; no homozygotes.

Submission:

CeGaT Center for Human Genetics Tuebingen
Classification: Likely benign. Last evaluated: 2023-01-01. Review status: criteria provided, single submitter. Criteria: CeGaT Center For Human Genetics Tuebingen Variant Classification Criteria Version 2. Collection method: clinical testing. Allele origin: germline. Affected: yes. Observed: 2 variant alleles.
Comment: ITIH6: BP4, BP7, BS2

NM_198510.3(ITIH6):c.1822C>T (p.Leu608=)

Gene: ITIH6 (inter-alpha-trypsin inhibitor heavy chain family member 6; minus strand). Cytogenetic location: Xp11.22.
Variant type: single nucleotide variant.
Coding change: c.1822C>T on transcript NM_198510.3 (MANE Select); coding-DNA position 1822, C replaced by T.
Protein change: p.Leu608=; no amino-acid change (leucine 608 retained).
Molecular consequence: synonymous variant.
Genome position (GRCh38, 1-based): chrX:54,758,252, G>A on the plus strand (C>T on the coding strand, the complement: ITIH6 is on the minus strand). VCF-style: chrX-54758252-G-A. GRCh37 (hg19) VCF-style: chrX-54784685-G-A.
Identifiers: ClinVar variation 2660673 (VCV002660673.24), dbSNP rs779503515, ClinGen allele CA10426221.
Genomic context (GRCh38, chrX:54,758,252, plus strand): 5'-CAGAGGTGGAAGTCTGTCTCCTGGTCTCCTCACTGGCCTGTTTGGGTTGCACCATGACCA[G>A]TGAAGTCAGAGGTGTGACAAAGTTGTATTCAAGGGACAGGTTGAGGACTTTGGCAGCCAG-3'
Protein context (NP_940912.1, residues 598-618): EYNFVTPLTS[Leu608=]VMVQPKQASE